The following is an entry in ClinVar:

NC_000007.14:g.30479406G>A

Gene: NOD1 (nucleotide binding oligomerization domain containing 1; minus strand). Cytogenetic location: 7p14.3.
Variant type: single nucleotide variant.
Genome position: GRCh38 VCF-style: chr7-30479406-G-A. GRCh37 (hg19) VCF-style: chr7-30519022-G-A.
Identifiers: ClinVar variation 102943 (VCV000102943.2), dbSNP rs199475893, ClinGen allele CA229906.

ClinVar aggregate classification (germline): not provided (0 of 4 stars; one submission).

Allele frequency attached by ClinVar (database versions not stated): 1000 Genomes Project 30x 0.00078; 1000 Genomes Project 0.00080; TOPMed 0.00083; gnomAD 0.00087 and 0.00088.

Submission:

Human Evolutionary Genetics, Institut Pasteur
No classification provided. Review status: no classification provided. Collection method: not provided. Allele origin: germline.
ClinVar note: Converted during submission from untested to not provided.